The following is an entry in ClinVar:

ClinVar aggregate classification (germline): Uncertain significance (1 of 4 stars; one submission).

Conditions:
Charcot-Marie-Tooth disease type 4. Also called: Charcot-Marie-Tooth disease, type IV; Charcot-Marie-Tooth, Type 4. Identifiers: Orphanet 64749, MedGen C4082197, MONDO:0018995.

Submission:

Labcorp Genetics (formerly Invitae), Labcorp
Classification: Uncertain significance for Charcot-Marie-Tooth disease type 4. Last evaluated: 2021-08-21. Review status: criteria provided, single submitter. Criteria: Invitae Variant Classification Sherloc (09022015). Collection method: clinical testing. Allele origin: germline.
Comment: This sequence change replaces glutamine with proline at codon 506 of the SBF2 protein (p.Gln506Pro). The glutamine residue is moderately conserved and there is a moderate physicochemical difference between glutamine and proline. This variant is not present in population databases (ExAC no frequency). This variant has not been reported in the literature in individuals affected with SBF2-related conditions. Algorithms developed to predict the effect of missense changes on protein structure and function are either unavailable or do not agree on the potential impact of this missense change (SIFT: "Deleterious"; PolyPhen-2: "Benign"; Align-GVGD: "Class C0"). In summary, the available evidence is currently insufficient to determine the role of this variant in disease. Therefore, it has been classified as a Variant of Uncertain Significance.

NM_030962.4(SBF2):c.1517A>C (p.Gln506Pro)

Gene: SBF2 (SET binding factor 2; minus strand). Cytogenetic location: 11p15.4.
Variant type: single nucleotide variant.
Coding change: c.1517A>C on transcript NM_030962.4 (MANE Select); coding-DNA position 1517, A replaced by C.
Protein change: p.Gln506Pro; replaces glutamine 506 with proline.
Molecular consequence: missense variant.
Genome position (GRCh38, 1-based): chr11:9,968,424, T>G on the plus strand (A>C on the coding strand, the complement: SBF2 is on the minus strand). VCF-style: chr11-9968424-T-G. GRCh37 (hg19) VCF-style: chr11-9989971-T-G.
Other names: c.1517A>C, p.Gln506Pro (NM_001386339.1); c.1388A>C, p.Gln463Pro (NM_001386342.1); short protein forms Q463P, Q506P.
Identifiers: ClinVar variation 1379467 (VCV001379467.3), dbSNP rs2134387742, ClinGen allele CA379629962.